The following is an entry in ClinVar:

NM_018557.3(LRP1B):c.12360G>A (p.Arg4120=)

Gene: LRP1B (LDL receptor related protein 1B; minus strand). Cytogenetic location: 2q22.1.
Variant type: single nucleotide variant.
Coding change: c.12360G>A on transcript NM_018557.3 (MANE Select); coding-DNA position 12360, G replaced by A.
Protein change: p.Arg4120=; no amino-acid change (arginine 4120 retained).
Molecular consequence: synonymous variant.
Genome position (GRCh38, 1-based): chr2:140,324,047, C>T on the plus strand (G>A on the coding strand, the complement: LRP1B is on the minus strand). VCF-style: chr2-140324047-C-T. GRCh37 (hg19) VCF-style: chr2-141081616-C-T.
Identifiers: ClinVar variation 718269 (VCV000718269.29), dbSNP rs137873952, ClinGen allele CA1892829.

ClinVar aggregate classification (germline): Likely benign. Review status: criteria provided, multiple submitters, no conflicts (2 of 4 stars). 4 submissions from 4 submitters: Likely benign (3). 1 of the submissions does not count toward it. Last evaluated 2023-01-01.

Conditions:
LRP1B-related disorder. Also called: LRP1B-related condition.

Allele frequency attached by ClinVar (database versions not stated): ExAC 0.00101; gnomAD 0.00114 and 0.00117; ESP Exome Variant Server 0.00116; 1000 Genomes Project 0.00060; 1000 Genomes Project 30x 0.00078; TOPMed 0.00100.
gnomAD v4.1: 2,345 of 1,606,908 alleles (0.15%); highest among the groups gnomAD compares: Middle Eastern, 0.51%; 5 homozygotes.

Submissions (4):

CeGaT Center for Human Genetics Tuebingen
Classification: Likely benign. Last evaluated: 2023-01-01. Review status: criteria provided, single submitter. Criteria: CeGaT Center For Human Genetics Tuebingen Variant Classification Criteria Version 2. Collection method: clinical testing. Allele origin: germline. Affected: yes. Observed: 2 variant alleles.
Comment: LRP1B: BP4, BP7

Labcorp Genetics (formerly Invitae), Labcorp
Classification: Likely benign. Last evaluated: 2018-04-17. Review status: criteria provided, single submitter. Criteria: Invitae Variant Classification Sherloc (09022015). Collection method: clinical testing. Allele origin: germline.

Breakthrough Genomics
Classification: Likely benign. Review status: criteria provided, single submitter. Criteria: ACMG Guidelines, 2015. Collection method: not provided. Allele origin: germline. Inheritance: Unknown mechanism. Affected: yes.

PreventionGenetics, part of Exact Sciences
Classification: Likely benign for LRP1B-related condition. Last evaluated: 2019-02-22. Review status: no assertion criteria provided. Collection method: clinical testing. Allele origin: germline. Not counted in ClinVar's aggregate classification.
Comment: This variant is classified as likely benign based on ACMG/AMP sequence variant interpretation guidelines (Richards et al. 2015 PMID: 25741868, with internal and published modifications).